The following is an entry in ClinVar:

NM_000256.3(MYBPC3):c.2154G>A (p.Leu718=)

Gene: MYBPC3 (myosin binding protein C3; minus strand). Cytogenetic location: 11p11.2.
Variant type: single nucleotide variant.
Coding change: c.2154G>A on transcript NM_000256.3 (MANE Select); coding-DNA position 2154, G replaced by A.
Protein change: p.Leu718=; no amino-acid change (leucine 718 retained).
Molecular consequence: synonymous variant.
Genome position (GRCh38, 1-based): chr11:47,338,674, C>T on the plus strand (G>A on the coding strand, the complement: MYBPC3 is on the minus strand). VCF-style: chr11-47338674-C-T. GRCh37 (hg19) VCF-style: chr11-47360225-C-T.
Identifiers: ClinVar variation 699979 (VCV000699979.11), dbSNP rs781477048, ClinGen allele CA078556.
Genomic context (GRCh38, chr11:47,338,674, plus strand): 5'-GACCGTGAAGATGCTGCGGTCCTTGGTGGTCTCCACGCGGACCCGGCCCTCGGTCTCACA[C>T]AGCAGCTGGGGGGGTGCAGAGTTGGGGTGAGATCCAAGTCAGACCCCAGAGGCCCTTGCA-3'
Protein context (NP_000247.2, residues 708-728): SDEWVFDKKL[Leu718=]CETEGRVRVE

ClinVar aggregate classification (germline): Likely benign. Review status: criteria provided, multiple submitters, no conflicts (2 of 4 stars). 3 submissions from 3 submitters: Likely benign (3). Last evaluated 2023-11-02.

Conditions:
Hypertrophic cardiomyopathy. Also called: HYPERTROPHIC MYOCARDIOPATHY. Identifiers: Orphanet 217569, MedGen C0007194, MeSH D002312, MONDO:0005045, HP:0001639.
Cardiomyopathy (CMYO). Also called: Cardiomyopathies. Identifiers: Orphanet 167848, MedGen C0878544, MONDO:0004994, HP:0001638. Inheritance: Various modes of inheritance.

Allele frequency attached by ClinVar (database versions not stated): ExAC 0.00001; gnomAD exomes 0.00002.
gnomAD v4.1: 16 of 1,610,832 alleles (0.00099%); highest among the groups gnomAD compares: South Asian, 0.018%; 1 homozygote.

Submissions (3):

All of Us Research Program, National Institutes of Health
Classification: Likely benign for Hypertrophic cardiomyopathy. Last evaluated: 2023-11-02. Review status: criteria provided, single submitter. Criteria: ACMG Guidelines, 2015. Collection method: clinical testing. Allele origin: germline. Inheritance: Autosomal dominant inheritance. Observed: 2 variant alleles, 2 heterozygotes.
Comment: This study involves interpretation of variants in research participants for the purpose of population health screening. Participant phenotype was not available at the time of variant classification. Additional details can be found in publication PMID: 35346344, PMCID: PMC8962531

Labcorp Genetics (formerly Invitae), Labcorp
Classification: Likely benign for Hypertrophic cardiomyopathy. Last evaluated: 2023-08-28. Review status: criteria provided, single submitter. Criteria: Invitae Variant Classification Sherloc (09022015). Collection method: clinical testing. Allele origin: germline.

Color Diagnostics, LLC DBA Color Health
Classification: Likely benign for Cardiomyopathy. Last evaluated: 2021-02-16. Review status: criteria provided, single submitter. Criteria: ACMG Guidelines, 2015. Collection method: clinical testing. Allele origin: germline.